The following is an entry in ClinVar:

ClinVar aggregate classification (germline): Benign (0 of 4 stars; one submission).

Conditions:
TRMT5-related disorder. Also called: TRMT5-related condition.

Allele frequency attached by ClinVar (database versions not stated): gnomAD exomes 0.00022; ExAC 0.00079; 1000 Genomes Project 30x 0.00141; 1000 Genomes Project 0.00160; gnomAD 0.00210; TOPMed 0.00229.
gnomAD v4.1: 638 of 1,604,730 alleles (0.04%); highest among the groups gnomAD compares: African/African-American, 0.71%; 2 homozygotes.

Submission:

PreventionGenetics, part of Exact Sciences
Classification: Benign for TRMT5-related condition. Last evaluated: 2019-12-23. Review status: no assertion criteria provided. Collection method: clinical testing. Allele origin: germline.
Comment: This variant is classified as benign based on ACMG/AMP sequence variant interpretation guidelines (Richards et al. 2015 PMID: 25741868, with internal and published modifications).

NM_020810.3(TRMT5):c.-101A>C

Genes: TRMT5 (tRNA methyltransferase 5; minus strand), LOC130055775 (ATAC-STARR-seq lymphoblastoid active region 8484; plus strand). Cytogenetic location: 14q23.1.
Variant type: single nucleotide variant.
Coding change: c.-101A>C on transcript NM_020810.3 (MANE Select); 101 bases upstream of the start codon, A replaced by C.
Molecular consequence: 5 prime UTR variant. On other transcripts: missense variant (1).
Genome position (GRCh38, 1-based): chr14:60,981,074, T>G on the plus strand (A>C on the coding strand, the complement: TRMT5 is on the minus strand). VCF-style: chr14-60981074-T-G. GRCh37 (hg19) VCF-style: chr14-61447792-T-G.
Other names: c.45A>C, p.Glu15Asp (NM_001350253.1); c.-139A>C (NM_001350254.1); short protein forms E15D.
Identifiers: ClinVar variation 3052703 (VCV003052703.2), dbSNP rs568038235, ClinGen allele CA7214104.